The following is an entry in ClinVar:

ClinVar aggregate classification (germline): Uncertain significance (1 of 4 stars; one submission).

Submission:

GeneDx
Classification: Uncertain significance. Last evaluated: 2019-07-19. Review status: criteria provided, single submitter. Criteria: GeneDx Variant Classification Process June 2021. Collection method: clinical testing. Allele origin: germline. Affected: yes.
Comment: Has not been previously published as pathogenic or benign to our knowledge; Not observed in large population cohorts (Lek et al., 2016); In silico analysis, which includes protein predictors and evolutionary conservation, supports a deleterious effect; Is located in one of the three hot-spot regions of the RYR2 gene, where the majority of pathogenic missense variants occur (Medeiros-Domingo et al., 2009)

NM_001035.3(RYR2):c.14840G>T (p.Arg4947Met)

Gene: RYR2 (ryanodine receptor 2; plus strand). Cytogenetic location: 1q43.
Variant type: single nucleotide variant.
Coding change: c.14840G>T on transcript NM_001035.3 (MANE Select); coding-DNA position 14840, G replaced by T.
Protein change: p.Arg4947Met; replaces arginine 4947 with methionine.
Molecular consequence: missense variant.
Genome position (GRCh38, 1-based): chr1:237,832,583, G>T. VCF-style: chr1-237832583-G-T. GRCh37 (hg19) VCF-style: chr1-237995883-G-T.
Other names: short protein forms R4947M.
Identifiers: ClinVar variation 1202431 (VCV001202431.3), dbSNP rs2102968013, ClinGen allele CA345410808.